The following is an entry in ClinVar:

NM_001164508.2(NEB):c.20808T>A (p.Tyr6936Ter)

Gene: NEB (nebulin; minus strand). Cytogenetic location: 2q23.3.
Variant type: single nucleotide variant.
Coding change: c.20808T>A on transcript NM_001164508.2 (MANE Select); coding-DNA position 20808, T replaced by A.
Protein change: p.Tyr6936Ter; replaces tyrosine 6936 with a stop codon.
Molecular consequence: nonsense.
Genome position (GRCh38, 1-based): chr2:151,540,428, A>T on the plus strand (T>A on the coding strand, the complement: NEB is on the minus strand). VCF-style: chr2-151540428-A-T. GRCh37 (hg19) VCF-style: chr2-152396942-A-T.
Other names: NM_001164508.2(NEB):c.20808T>A; p.Tyr6936Ter; c.20808T>A, p.Tyr6936Ter (NM_001164507.2, NM_001271208.2); c.15705T>A, p.Tyr5235Ter (NM_004543.5); short protein forms Y5235*, Y6936*.
Identifiers: ClinVar variation 807447 (VCV000807447.3), dbSNP rs753417634, ClinGen allele CA348777256.

ClinVar aggregate classification (germline): Pathogenic/Likely pathogenic. Review status: criteria provided, multiple submitters, no conflicts (2 of 4 stars). 2 submissions from 2 submitters: Pathogenic (1); Likely pathogenic (1). Last evaluated 2025-03-04.

Conditions:
Nemaline myopathy. Also called: Myopathies, Nemaline. Identifiers: Orphanet 607, MedGen C0206157, MONDO:0018958.
Nemaline myopathy 2 (NEM2). Also called: Nemaline myopathy 2, autosomal recessive. Identifiers: MedGen C1850569, MONDO:0009725, OMIM 256030.

Allele frequency attached by ClinVar (database versions not stated): gnomAD exomes below 0.00001.
gnomAD v4.1: 1 of 1,568,624 alleles (0.000064%); highest among the groups gnomAD compares: Non-Finnish European, 0.000087%; no homozygotes.

Submissions (2):

Broad Center for Mendelian Genomics, Broad Institute of MIT and Harvard
Classification: Likely pathogenic for Nemaline myopathy. Last evaluated: 2025-03-04. Review status: criteria provided, single submitter. Criteria: ACMG Guidelines, 2015. Collection method: curation. Allele origin: germline. Inheritance: Autosomal recessive inheritance.
Comment: The p.Tyr6936Ter variant in NEB has not been previously reported in the literature in individuals with nemaline myopathy, but has been identified in 0.00009% (1/1154544) of European (non-Finnish) chromosomes by the Genome Aggregation Database (gnomAD; dbSNP ID: rs753417634). Although this variant has been seen in the general population in a heterozygous state, its frequency is low enough to be consistent with a recessive carrier frequency. This variant has also been reported in ClinVar (Variation ID: 807447) and has been interpreted as pathogenic by Institute of Human Genetics Munich (Klinikum Rechts Der Isar, TU M√ºnchen). This nonsense variant leads to a premature termination codon at position 6936, which is predicted to lead to a truncated or absent protein. Loss of function of the NEB gene is an established disease mechanism in autosomal recessive nemaline myopathy. In summary, although additional studies are required to fully establish its clinical significance, this variant is likely pathogenic for autosomal recessive nemaline myopathy. ACMG/AMP Criteria applied: PVS1, PM2_supporting (Richards 2015).

Institute of Human Genetics Munich, TUM University Hospital
Classification: Pathogenic for Nemaline myopathy 2. Last evaluated: 2018-02-02. Review status: criteria provided, single submitter. Criteria: Classification criteria August 2017. Collection method: clinical testing. Allele origin: paternal. Inheritance: Autosomal recessive inheritance. Affected: yes. Observed: 1 compound heterozygote.